The following is an entry in ClinVar:

NM_001164508.2(NEB):c.410A>G (p.Tyr137Cys)

Gene: NEB (nebulin; minus strand). Cytogenetic location: 2q23.3.
Variant type: single nucleotide variant.
Coding change: c.410A>G on transcript NM_001164508.2 (MANE Select); coding-DNA position 410, A replaced by G.
Protein change: p.Tyr137Cys; replaces tyrosine 137 with cysteine.
Molecular consequence: missense variant.
Genome position (GRCh38, 1-based): chr2:151,724,954, T>C on the plus strand (A>G on the coding strand, the complement: NEB is on the minus strand). VCF-style: chr2-151724954-T-C. GRCh37 (hg19) VCF-style: chr2-152581468-T-C.
Other names: NM_001164508.2:c.410A>G; c.410A>G, p.Tyr137Cys (NM_001164507.2, NM_001271208.2, NM_004543.5); short protein forms Y137C.
Identifiers: ClinVar variation 3339757 (VCV003339757.2).
Genomic context (GRCh38, chr2:151,724,954, plus strand): 5'-ATATCCTTTGCTTTTTCATCTACGTGACATATAGTCTTAGCAACATCACCATCCATTCGA[T>C]ACTTAACCTGCCCAAATAATGCACAGTTAGAGTTCATGACAGGCATGTACATGTGAGTAT-3'
Protein context (NP_001157980.2, residues 127-147): KVQDQLSEVK[Tyr137Cys]RMDGDVAKTI

ClinVar aggregate classification (germline): Uncertain significance. Review status: criteria provided, multiple submitters, no conflicts (2 of 4 stars). 2 submissions from 2 submitters: Uncertain significance (2). Last evaluated 2025-03-24.

Conditions:
Nemaline myopathy. Also called: Myopathies, Nemaline. Identifiers: Orphanet 607, MedGen C0206157, MONDO:0018958.

gnomAD v4.1: 49 of 1,613,174 alleles (0.003%); highest among the groups gnomAD compares: Non-Finnish European, 0.0035%; no homozygotes.

Submissions (2):

Broad Center for Mendelian Genomics, Broad Institute of MIT and Harvard
Classification: Uncertain significance for Nemaline myopathy. Last evaluated: 2025-03-24. Review status: criteria provided, single submitter. Criteria: ACMG Guidelines, 2015. Collection method: curation. Allele origin: germline. Inheritance: Autosomal recessive inheritance.
Comment: The p.Tyr137Cys variant in NEB has been reported, in the compound heterozygous state, in one individual with nemaline myopathy (PMID: 16917880), and has been identified in 0.009% (6/63866) of European (Finnish) chromosomes by the Genome Aggregation Database (gnomAD; dbSNP ID: rs770992098). Although this variant has been seen in the general population in a heterozygous state, its frequency is low enough to be consistent with a recessive carrier frequency. Computational prediction tools and conservation analyses suggest that this variant may impact the protein, though this information is not predictive enough to determine pathogenicity. In summary, the clinical significance of the p.Tyr137Cys variant is uncertain. ACMG/AMP Criteria applied: PM3, PP3_moderate, PM2_supporting (Richards 2015).

Women's Health and Genetics/Laboratory Corporation of America, LabCorp
Classification: Uncertain significance. Last evaluated: 2024-06-03. Review status: criteria provided, single submitter. Criteria: LabCorp Variant Classification Summary - May 2015. Collection method: clinical testing. Allele origin: germline.
Comment: Variant summary: NEB c.410A>G (p.Tyr137Cys) results in a non-conservative amino acid change in the encoded protein sequence. Five of five in-silico tools predict a damaging effect of the variant on protein function. The variant allele was found at a frequency of 8e-06 in 248686 control chromosomes. The available data on variant occurrences in the general population are insufficient to allow any conclusion about variant significance. c.410A>G has been reported in the literature in at least one compound heterozygous individual affected with Nemaline Myopathy 2 (Lehtokari_2006). These data do not allow any conclusion about variant significance. To our knowledge, no experimental evidence demonstrating an impact on protein function has been reported. The following publications have been ascertained in the context of this evaluation (PMID: 25205138, 16917880). No submitters have cited clinical-significance assessments for this variant to ClinVar. Based on the evidence outlined above, the variant was classified as uncertain significance.

Literature cited by the submitters: PubMed 25205138 (cited by Women's Health and Genetics/Laboratory Corporation of America, LabCorp); PubMed 16917880 (cited by Women's Health and Genetics/Laboratory Corporation of America, LabCorp).